The following is an entry in ClinVar:

NM_003793.4(CTSF):c.105_129del (p.Ser36fs)

Gene: CTSF (cathepsin F; minus strand). Cytogenetic location: 11q13.2.
Variant type: Deletion.
Coding change: c.105_129del on transcript NM_003793.4 (MANE Select); coding-DNA positions 105 to 129, 25 bases deleted (GTCCCCGGAGCTGCTGGCGCCCACC).
Protein change: p.Ser36fs; shifts the reading frame from serine 36.
Molecular consequence: frameshift variant.
Genome position (GRCh38, 1-based): chr11:66,568,358-66,568,382, GGTGGGCGCCAGCAGCTCCGGGGAC deleted on the plus strand (GTCCCCGGAGCTGCTGGCGCCCACC on the coding strand, the reverse complement: CTSF is on the minus strand); deleting any 25 consecutive bases within chr11:66,568,358-66,568,384 gives the same sequence; the c. name uses the placement nearest the transcript's 3' end. VCF-style (leftmost placement, unchanged base first): chr11-66568357-GGGTGGGCGCCAGCAGCTCCGGGGAC-G. GRCh37 (hg19) VCF-style: chr11-66335828-GGGTGGGCGCCAGCAGCTCCGGGGAC-G.
Other names: short protein forms S36fs.
Identifiers: ClinVar variation 1804750 (VCV001804750.1), dbSNP rs2495286249, ClinGen allele CA2574888529.
Genomic context (GRCh38, chr11:66,568,357, plus strand): 5'-GGCCCAGCACGGCCCGCGTCCCCGCAGCCCGGCCGCGGTTGAACATCTCCAGCGCGAAGC[GGGTGGGCGCCAGCAGCTCCGGGGAC>G]GGCGGCCCCCAGGCCTGAAAGCTGGCGGCTCGGGGCTGGGCGGGGGCGGCCACTGCGCCC-3'

ClinVar aggregate classification (germline): Likely pathogenic (1 of 4 stars; one submission).

Conditions:
Neuronal ceroid lipofuscinosis. Also called: Neuronal Ceroid Lipofuscinoses. Identifiers: Orphanet 216, Orphanet 79263, MedGen C0027877, MONDO:0016295. Disease mechanism: loss of function.

Submission:

Women's Health and Genetics/Laboratory Corporation of America, LabCorp
Classification: Likely pathogenic for Neuronal ceroid lipofuscinosis. Last evaluated: 2022-11-23. Review status: criteria provided, single submitter. Criteria: LabCorp Variant Classification Summary - May 2015. Collection method: clinical testing. Allele origin: germline.
Comment: Variant summary: CTSF c.105_129del25 (p.Ser36AlafsX104) results in a premature termination codon, predicted to cause a truncation of the encoded protein or absence of the protein due to nonsense mediated decay, which are commonly known mechanisms for disease. The variant was absent in 31814 control chromosomes (gnomAD). To our knowledge, no occurrence of c.105_129del25 in individuals affected with Neuronal Ceroid-Lipofuscinosis (Batten Disease) and no experimental evidence demonstrating its impact on protein function have been reported. No clinical diagnostic laboratories have submitted clinical-significance assessments for this variant to ClinVar after 2014. Based on the evidence outlined above, the variant was classified as likely pathogenic.